The following is an entry in ClinVar:

ClinVar aggregate classification (germline): Likely pathogenic (1 of 4 stars; one submission).

Conditions:
CDKL5 disorder. Identifiers: MedGen CN296942, MONDO:0100039.

Submission:

Centre for Population Genomics, CPG
Classification: Likely pathogenic for CDKL5 disorder. Last evaluated: 2024-09-13. Review status: criteria provided, single submitter. Criteria: McKnight et al. (Hum Mutat. 2022). Collection method: curation. Allele origin: germline. Inheritance: X-linked inheritance.
Comment: This variant has been collected from RettBASE and curated to current modified ACMG/AMP criteria. Based on the classification scheme defined by the ClinGen Rett/Angelman-like Expert Panel for Rett/AS-like Disorders Specifications to the ACMG/AMP Variant Interpretation Guidelines VCEP 3.0, this variant is classified as likely pathogenic. At least the following criteria are met: Predicted to result in loss of function, and LOF is a known mechanism of disease (PVS1). This variant is absent from gnomAD (PM2_Supporting). Has been observed in at least 1 individual with phenotypes consistent with CDKL5 disorder (PMID: 25657822).

NM_001323289.2(CDKL5):c.1791del (p.Tyr598fs)

Gene: CDKL5 (cyclin dependent kinase like 5; plus strand). Cytogenetic location: Xp22.13.
Variant type: Deletion.
Coding change: c.1791del on transcript NM_001323289.2 (MANE Select); coding-DNA position 1791, one base deleted (C; older notation c.1791delC).
Protein change: p.Tyr598fs; shifts the reading frame from tyrosine 598.
Molecular consequence: frameshift variant.
Genome position (GRCh38, 1-based): chrX:18,604,715, C deleted. VCF-style (leftmost placement, unchanged base first): chrX-18604714-GC-G. GRCh37 (hg19) VCF-style: chrX-18622834-GC-G.
Other names: NM_003159.3:c.1791del; c.1791del, p.Tyr598fs (NM_001037343.2, NM_003159.3); short protein forms Y598fs.
Identifiers: ClinVar variation 3343995 (VCV003343995.1).
Genomic context (GRCh38, chrX:18,604,714, plus strand): 5'-TGGACAGTAGCCATTCCCATTCACTGTCTGCACCTCACGAATCTTTTTCTTATGGACTGG[GC>G]TACACCAGCCCCTTTTCTTCCCAGCAACGTCCTCATAGGCATTCTATGTATGTGACCCGT-3'